The following is an entry in ClinVar:

ClinVar aggregate classification (germline): Uncertain significance (1 of 4 stars; one submission).

gnomAD v4.1: 58 of 1,490,786 alleles (0.0039%); highest among the groups gnomAD compares: South Asian, 0.017%; no homozygotes.

Submission:

Labcorp Genetics (formerly Invitae), Labcorp
Classification: Uncertain significance. Last evaluated: 2025-10-27. Review status: criteria provided, single submitter. Criteria: Invitae Variant Classification Sherloc (09022015). Collection method: clinical testing. Allele origin: germline.
Comment: This sequence change replaces glycine, which is neutral and non-polar, with alanine, which is neutral and non-polar, at codon 13 of the TRPV6 protein (p.Gly13Ala). This variant is present in population databases (rs768776086, gnomAD 0.007%). This variant has not been reported in the literature in individuals affected with TRPV6-related conditions. ClinVar contains an entry for this variant (Variation ID: 2720600). Experimental studies and prediction algorithms are not available or were not evaluated, and the functional significance of this variant is currently unknown. In summary, the available evidence is currently insufficient to determine the role of this variant in disease. Therefore, it has been classified as a Variant of Uncertain Significance.

NM_018646.6(TRPV6):c.38G>C (p.Gly13Ala)

Gene: TRPV6 (transient receptor potential cation channel subfamily V member 6; minus strand). Cytogenetic location: 7q34.
Variant type: single nucleotide variant.
Coding change: c.38G>C on transcript NM_018646.6 (MANE Select); coding-DNA position 38, G replaced by C.
Protein change: p.Gly13Ala; replaces glycine 13 with alanine.
Molecular consequence: missense variant.
Genome position (GRCh38, 1-based): chr7:142,885,599, C>G on the plus strand (G>C on the coding strand, the complement: TRPV6 is on the minus strand). VCF-style: chr7-142885599-C-G. GRCh37 (hg19) VCF-style: chr7-142583344-C-G.
Other names: short protein forms G13A.
Identifiers: ClinVar variation 2720600 (VCV002720600.3), dbSNP rs768776086, ClinGen allele CA168194963.